The following is an entry in ClinVar:

NM_007294.4(BRCA1):c.2061G>C (p.Gln687His)

Gene: BRCA1 (BRCA1 DNA repair associated; minus strand). Cytogenetic location: 17q21.31.
Variant type: single nucleotide variant.
Coding change: c.2061G>C on transcript NM_007294.4 (MANE Select); coding-DNA position 2061, G replaced by C.
Protein change: p.Gln687His; replaces glutamine 687 with histidine.
Molecular consequence: missense variant. On other transcripts: intron variant (137).
Genome position (GRCh38, 1-based): chr17:43,093,470, C>G on the plus strand (G>C on the coding strand, the complement: BRCA1 is on the minus strand). VCF-style: chr17-43093470-C-G. GRCh37 (hg19) VCF-style: chr17-41245487-C-G.
Other names: c.1938G>C, p.Gln646His (NM_001407668.1, NM_001407669.1, NM_001407676.1 and 19 more transcripts); c.664+1274G>C (NM_001408440.1, NM_001408428.1, NM_001408436.1 and 12 more transcripts); c.670+2376G>C (NM_001408418.1, NM_001408423.1, NM_001408420.1 and 2 more transcripts); c.643+1274G>C (NM_001408462.1, NM_001408470.1, NM_001408464.1 and 3 more transcripts); c.577+1274G>C (NM_001408514.1, NM_001408485.1, NM_001408481.1 and 9 more transcripts); c.787+1274G>C (NM_007298.4, NM_001407981.1, NM_001407978.1 and 19 more transcripts); c.709+1274G>C (NM_001408414.1, NM_001408411.1, NM_001408412.1 and 2 more transcripts); c.661+1274G>C (NM_001408447.1, NM_001408446.1, NM_001408435.1 and 6 more transcripts); and 40 more; short protein forms Q391H, Q559H, Q646H, Q519H, Q598H, Q616H, Q660H, Q684H.
Identifiers: ClinVar variation 1785241 (VCV001785241.4), dbSNP rs2154401544, ClinGen allele CA10597881.

ClinVar aggregate classification (germline): Conflicting classifications of pathogenicity. Review status: criteria provided, conflicting classifications (1 of 4 stars). 2 submissions from 2 submitters: Uncertain significance (1); Likely benign (1). Last evaluated 2023-03-23.

Conditions:
Hereditary cancer-predisposing syndrome. Also called: Neoplastic Syndromes, Hereditary; Tumor predisposition; Hereditary Cancer Syndrome; Hereditary neoplastic syndrome. Identifiers: Orphanet 140162, MedGen C0027672, MeSH D009386, MONDO:0015356.

Submissions (2):

University of Washington Department of Laboratory Medicine, University of Washington
Classification: Likely benign for Hereditary cancer-predisposing syndrome. Last evaluated: 2023-03-23. Review status: criteria provided, single submitter. Criteria: Dines et al. (Genet Med. 2020). Collection method: curation. Allele origin: germline.
Comment: Missense variant in a coldspot region where missense variants are very unlikely to be pathogenic (PMID:31911673).

BRCA1 coldspot (exon 11 using historical exon numbering). Reclassification based on statistical prior probability

Ambry Genetics
Classification: Uncertain significance for Hereditary cancer-predisposing syndrome. Last evaluated: 2021-10-11. Review status: criteria provided, single submitter. Criteria: Ambry Variant Classification Scheme 2023. Collection method: clinical testing. Allele origin: germline.
Comment: The p.Q687H variant (also known as c.2061G>C), located in coding exon 9 of the BRCA1 gene, results from a G to C substitution at nucleotide position 2061. The glutamine at codon 687 is replaced by histidine, an amino acid with highly similar properties. This amino acid position is not well conserved in available vertebrate species. In addition, the in silico prediction for this alteration is inconclusive. Since supporting evidence is limited at this time, the clinical significance of this alteration remains unclear.